The following is an entry in ClinVar:

NM_004004.6(GJB2):c.389G>C (p.Gly130Ala)

Gene: GJB2 (gap junction protein beta 2; minus strand). Cytogenetic location: 13q12.11.
Variant type: single nucleotide variant.
Coding change: c.389G>C on transcript NM_004004.6 (MANE Select); coding-DNA position 389, G replaced by C.
Protein change: p.Gly130Ala; replaces glycine 130 with alanine.
Molecular consequence: missense variant.
Genome position (GRCh38, 1-based): chr13:20,189,193, C>G on the plus strand (G>C on the coding strand, the complement: GJB2 is on the minus strand). VCF-style: chr13-20189193-C-G. GRCh37 (hg19) VCF-style: chr13-20763332-C-G.
Other names: short protein forms G130A.
Identifiers: ClinVar variation 228264 (VCV000228264.16), dbSNP rs779018464, ClinGen allele CA10576937.
Genomic context (GRCh38, chr13:20,189,193, plus strand): 5'-AAGGCGGCTTCGAAGATGACCCGGAAGAAGATGCTGCTTGTGTAGGTCCACCACAGGGAG[C>G]CTTCGATGCGGACCTTCTGGGTTTTGATCTCCTCGATGTCCTTAAATTCACTCTTTATCT-3'
Protein context (NP_003995.2, residues 120-140): EIKTQKVRIE[Gly130Ala]SLWWTYTSSI

ClinVar aggregate classification (germline): Conflicting classifications of pathogenicity. Review status: criteria provided, conflicting classifications (1 of 4 stars). 6 submissions from 5 submitters: Likely pathogenic (2); Uncertain significance (1). 3 of the submissions do not count toward it. Last evaluated 2025-05-05.

Conditions:
Rare genetic deafness. Identifiers: Orphanet 96210, MedGen C5680250.
Autosomal dominant nonsyndromic hearing loss 3A. Identifiers: Orphanet 90635, MedGen C2675750, MONDO:0011103, OMIM 601544.
Autosomal recessive nonsyndromic hearing loss 1A (DFNB1A). Also called: GJB6-Related DFNB 1 Nonsyndromic Hearing Loss and Deafness; Deafness, autosomal recessive 1A; Connexin 26 deafness; Deafness nonsyndromic, Connexin 26 linked; GJB2-Related Autosomal Recessive Nonsyndromic Hearing Loss; Nonsyndromic Hearing Loss and Deafness, DFNB1. Identifiers: Orphanet 90636, MedGen C2673759, MONDO:0009076, OMIM 220290.
Nonsyndromic genetic hearing loss. Also called: Nonsyndromic hearing loss and deafness; Non-syndromic genetic deafness; Nonsyndromic genetic deafness. Identifiers: Orphanet 87884, MedGen C5680182, MONDO:0019497.

Submissions (6):

Myriad Genetics, Inc.
Classification: Likely pathogenic for Nonsyndromic genetic hearing loss. Last evaluated: 2025-05-05. Review status: criteria provided, single submitter. Criteria: Myriad Autosomal Dominant, Autosomal Recessive and X-Linked Classification Criteria (2023). Collection method: clinical testing. Allele origin: unknown.
Comment: NM_004004.5(GJB2):c.389G>C(G130A) is a missense variant classified as likely pathogenic in the context of nonsyndromic hearing loss, GJB2-related. G130A has been observed in cases with relevant disease (PMID: 19371219, 23680645, 31160754, 31992338, 20650534, 12792423, 25788563, Chaleshtori_2005_(Article)). Relevant functional assessments of this variant are not available in the literature. G130A has not been observed in referenced population frequency databases. In summary, NM_004004.5(GJB2):c.389G>C(G130A) is a missense variant that has been observed more frequently in cases with the relevant disease than in healthy populations. Please note: this variant was assessed in the context of healthy population screening.

Labcorp Genetics (formerly Invitae), Labcorp
Classification: Uncertain significance. Last evaluated: 2023-09-11. Review status: criteria provided, single submitter. Criteria: Invitae Variant Classification Sherloc (09022015). Collection method: clinical testing. Allele origin: germline.
Comment: This sequence change replaces glycine, which is neutral and non-polar, with alanine, which is neutral and non-polar, at codon 130 of the GJB2 protein (p.Gly130Ala). In summary, the available evidence is currently insufficient to determine the role of this variant in disease. Therefore, it has been classified as a Variant of Uncertain Significance. Advanced modeling of protein sequence and biophysical properties (such as structural, functional, and spatial information, amino acid conservation, physicochemical variation, residue mobility, and thermodynamic stability) performed at Invitae indicates that this missense variant is expected to disrupt GJB2 protein function. ClinVar contains an entry for this variant (Variation ID: 228264). This missense change has been observed in individual(s) with features of both autosomal dominant and autosomal recessive deafness (PMID: 12792423, 19371219, 20650534, 23680645, 31160754). This variant is not present in population databases (gnomAD no frequency).

Laboratory for Molecular Medicine, Mass General Brigham Personalized Medicine
Classification: Likely pathogenic for Rare genetic deafness. Last evaluated: 2017-09-19. Review status: criteria provided, single submitter. Criteria: LMM Criteria. Collection method: clinical testing. Allele origin: germline. Inheritance: Autosomal recessive inheritance. Observed: 2 variant alleles.
Comment: The p.Gly130Ala variant in GJB2 has been previously reported in 6 individuals wi th hearing loss, three of whom were compound heterozygous for a second pathogeni c variant in GJB2 (Chora 2010, Hwa 2003, Chaleshtori 2005, Primignani 2009, Riah i 2013). This variant has not been identified in large population studies. Two different variants at the same amino acid position, p.Gly130Val (Iossa 2009, Sn oeckx 2005) and p.Gly130Asp (Putcha 2007), have also been reported in individual s with hearing loss, with the p.Gly130Val variant reported to cause dominant hea ring loss and palmoplantar keratoderma. Computational prediction tools and conse rvation analyses suggest that the p.Gly130Ala variant may impact the protein, th ough this information alone is not predictive enough to determine pathogenicity. In summary, although additional studies are required to fully establish its cli nical significance, this variant is likely pathogenic. ACMG/AMP Criteria applie d: PM3_S, PM2, PP3 (Richards 2015).

Natera, Inc.
Classification: Likely pathogenic for Autosomal recessive deafness type 1A. Last evaluated: 2021-08-15. Review status: no assertion criteria provided. Collection method: clinical testing. Allele origin: germline. Not counted in ClinVar's aggregate classification.

Counsyl
Classification: Likely pathogenic for Autosomal recessive nonsyndromic hearing loss 1A. Last evaluated: 2015-12-11. Review status: no assertion criteria provided. Collection method: clinical testing. Allele origin: unknown. Not counted in ClinVar's aggregate classification.

Counsyl
Classification: Likely pathogenic for Autosomal dominant nonsyndromic hearing loss 3A. Last evaluated: 2015-12-11. Review status: no assertion criteria provided. Collection method: clinical testing. Allele origin: unknown. Not counted in ClinVar's aggregate classification.

Literature cited by the submitters: PubMed 12792423 (cited by 3 submitters); PubMed 19371219 (cited by 3 submitters); PubMed 20650534 (cited by 3 submitters); PubMed 23680645 (cited by 3 submitters); PubMed 31160754 (cited by Labcorp Genetics (formerly Invitae), Labcorp); PubMed 17666888 (cited by Laboratory for Molecular Medicine, Mass General Brigham Personalized Medicine and Counsyl); PubMed 15954104 (cited by Laboratory for Molecular Medicine, Mass General Brigham Personalized Medicine); PubMed 18688874 (cited by Laboratory for Molecular Medicine, Mass General Brigham Personalized Medicine).